The following is an entry in ClinVar:

ClinVar aggregate classification (germline): Uncertain significance (1 of 4 stars; one submission).

Submission:

GeneDx
Classification: Uncertain significance. Last evaluated: 2026-01-23. Review status: criteria provided, single submitter. Criteria: GeneDx Variant Classification Process June 2021. Collection method: clinical testing. Allele origin: germline.
Comment: Not observed at significant frequency in large population cohorts (gnomAD); In silico analysis suggests that this missense variant does not alter protein structure/function; Has not been previously published as pathogenic or benign to our knowledge

NM_006593.4(TBR1):c.1420G>A (p.Glu474Lys)

Gene: TBR1 (T-box brain transcription factor 1; plus strand). Cytogenetic location: 2q24.2.
Variant type: single nucleotide variant.
Coding change: c.1420G>A on transcript NM_006593.4 (MANE Select); coding-DNA position 1420, G replaced by A.
Protein change: p.Glu474Lys; replaces glutamic acid 474 with lysine.
Molecular consequence: missense variant.
Genome position (GRCh38, 1-based): chr2:161,423,598, G>A. VCF-style: chr2-161423598-G-A. GRCh37 (hg19) VCF-style: chr2-162280109-G-A.
Other names: short protein forms E474K.
Identifiers: ClinVar variation 4975486 (VCV004975486.1).
Genomic context (GRCh38, chr2:161,423,598, plus strand): 5'-GGGCCGGGTACGGACCGCAGCGTGCCGCACACCAACGGGCTGCTGTCGCCGCAGCAGGCC[G>A]AGGACCCGGGCGCGCCCTCGCCGCAACGCTGGTTTGTGACGCCGGCCAACAACCGGCTGG-3'
Protein context (NP_006584.1, residues 464-484): TNGLLSPQQA[Glu474Lys]DPGAPSPQRW